The following is an entry in ClinVar:

ClinVar aggregate classification (germline): Uncertain significance (1 of 4 stars; one submission).

Conditions:
Cardiomyopathy (CMYO). Also called: Cardiomyopathies. Identifiers: Orphanet 167848, MedGen C0878544, MONDO:0004994, HP:0001638. Inheritance: Various modes of inheritance.

Submission:

All of Us Research Program, National Institutes of Health
Classification: Uncertain significance for Cardiomyopathy. Last evaluated: 2023-03-07. Review status: criteria provided, single submitter. Criteria: ACMG Guidelines, 2015. Collection method: clinical testing. Allele origin: germline. Inheritance: Autosomal dominant inheritance. Observed: 1 variant allele, 1 heterozygote.
Comment: This missense variant replaces alanine with serine at codon 1128 of the MYH7 protein. Computational prediction suggests that this variant may not impact protein structure and function (internally defined REVEL score threshold <= 0.5, PMID: 27666373). To our knowledge, functional studies have not been reported for this variant. This variant has been reported in an individual affected with hypertrophic cardiomyopathy (PMID: 33495597). This variant has not been identified in the general population by the Genome Aggregation Database (gnomAD). The available evidence is insufficient to determine the role of this variant in disease conclusively. Therefore, this variant is classified as a Variant of Uncertain Significance.

This study involves interpretation of variants in research participants for the purpose of population health screening. Participant phenotype was not available at the time of variant classification. Additional details can be found in publication PMID: 35346344, PMCID: PMC8962531

Literature cited by the submitters: PubMed 33495597.

NM_000257.4(MYH7):c.3382G>T (p.Ala1128Ser)

Gene: MYH7 (myosin heavy chain 7; minus strand). Cytogenetic location: 14q11.2.
Variant type: single nucleotide variant.
Coding change: c.3382G>T on transcript NM_000257.4 (MANE Select); coding-DNA position 3382, G replaced by T.
Protein change: p.Ala1128Ser; replaces alanine 1128 with serine.
Molecular consequence: missense variant.
Genome position (GRCh38, 1-based): chr14:23,420,189, C>A on the plus strand (G>T on the coding strand, the complement: MYH7 is on the minus strand). VCF-style: chr14-23420189-C-A. GRCh37 (hg19) VCF-style: chr14-23889398-C-A.
Other names: c.3382G>T, p.Ala1128Ser (NM_001407004.1); short protein forms A1128S.
Identifiers: ClinVar variation 3069771 (VCV003069771.1), dbSNP rs199552354, ClinGen allele CA389044072.